The following is an entry in ClinVar:

Conditions:
Breast-ovarian cancer, familial, susceptibility to, 1 (BROVCA1). Also called: BRCA1 Hereditary Breast and Ovarian Cancer; OVARIAN CANCER, SUSCEPTIBILITY TO. Identifiers: Orphanet 145, MedGen C2676676, MONDO:0011450, OMIM 604370. Disease mechanism: loss of function.

Submission:

Brotman Baty Institute, University of Washington
No classification provided (evidence only). Condition: Breast-ovarian cancer, familial 1. Review status: no classification provided. Collection method: in vitro. Allele origin: not applicable. Functional consequence: functionally_abnormal.
ClinVar note: "not provided" was previously submitted as the classification for the variant. However, the classification appeared to be based only on an observation of functional data so it was converted to no classification on 2025-07-30.

NM_007294.4(BRCA1):c.5432A>T (p.Gln1811Leu)

Gene: BRCA1 (BRCA1 DNA repair associated; minus strand). Cytogenetic location: 17q21.31.
Variant type: single nucleotide variant.
Coding change: c.5432A>T on transcript NM_007294.4 (MANE Select); coding-DNA position 5432, A replaced by T.
Protein change: p.Gln1811Leu; replaces glutamine 1811 with leucine.
Molecular consequence: missense variant. On other transcripts: synonymous variant (17).
Genome position (GRCh38, 1-based): chr17:43,047,678, T>A on the plus strand (A>T on the coding strand, the complement: BRCA1 is on the minus strand). VCF-style: chr17-43047678-T-A. GRCh37 (hg19) VCF-style: chr17-41199695-T-A.
Other names: c.4544A>T, p.Gln1515Leu (NM_001407966.1); c.4541A>T, p.Gln1514Leu (NM_001407967.1); c.2828A>T, p.Gln943Leu (NM_001407968.1); c.2825A>T, p.Gln942Leu (NM_001407969.1); c.2189A>T, p.Gln730Leu (NM_001407970.1, NM_001407971.1); c.2120A>T, p.Gln707Leu (NM_001407982.1, NM_001407983.1, NM_001407984.1 and 11 more transcripts); c.2114A>T, p.Gln705Leu (NM_001408406.1, NM_001408407.1, NM_001408408.1); c.2111A>T, p.Gln704Leu (NM_001408409.1); and 83 more; short protein forms Q1811L, Q707L, Q1764L, Q1832L, Q1515L, Q1682L, Q1741L, Q1783L.
Identifiers: ClinVar variation 868484 (VCV000868484.3), dbSNP rs80357040, ClinGen allele CA10590569.